The following is an entry in ClinVar:

ClinVar aggregate classification (germline): Uncertain significance (1 of 4 stars; one submission).

Submission:

Dasa
Classification: Uncertain significance. Last evaluated: 2026-04-21. Review status: criteria provided, single submitter. Criteria: DASA Assertion Criteria. Collection method: clinical testing. Allele origin: germline.
Comment: NM_001614.5(ACTG1):c.1001A>G (p.Glu334Gly) is a missense variant that results in the substitution of glutamic acid with glycine. The affected residue or protein region has prior evidence supporting clinical relevance. This variant is rare in population databases. Computational prediction algorithms are consistent with a deleterious effect. The currently available literature and clinical evidence are not sufficient to establish a definitive association between this variant and the reported condition. Therefore, this variant is classified as a variant of uncertain significance.

NM_001614.5(ACTG1):c.1001A>G (p.Glu334Gly)

Gene: ACTG1 (actin gamma 1; minus strand). Cytogenetic location: 17q25.3.
Variant type: single nucleotide variant.
Coding change: c.1001A>G on transcript NM_001614.5 (MANE Select); coding-DNA position 1001, A replaced by G.
Protein change: p.Glu334Gly; replaces glutamic acid 334 with glycine.
Molecular consequence: missense variant. On other transcripts: non-coding transcript variant (1).
Genome position (GRCh38, 1-based): chr17:81,510,817, T>C on the plus strand (A>G on the coding strand, the complement: ACTG1 is on the minus strand). VCF-style: chr17-81510817-T-C. GRCh37 (hg19) VCF-style: chr17-79477843-T-C.
Other names: c.1001A>G, p.Glu334Gly (NM_001199954.3); short protein forms E334G.
Identifiers: ClinVar variation 4883373 (VCV004883373.2).